The following is an entry in ClinVar:

NM_001378183.1(PIEZO2):c.3663G>A (p.Pro1221=)

Gene: PIEZO2 (piezo type mechanosensitive ion channel component 2; minus strand). Cytogenetic location: 18p11.22.
Variant type: single nucleotide variant.
Coding change: c.3663G>A on transcript NM_001378183.1 (MANE Select); coding-DNA position 3663, G replaced by A.
Protein change: p.Pro1221=; no amino-acid change (proline 1221 retained).
Molecular consequence: synonymous variant.
Genome position (GRCh38, 1-based): chr18:10,759,576, C>T on the plus strand (G>A on the coding strand, the complement: PIEZO2 is on the minus strand). VCF-style: chr18-10759576-C-T. GRCh37 (hg19) VCF-style: chr18-10759574-C-T.
Other names: c.3588G>A, p.Pro1196= (NM_022068.4).
Identifiers: ClinVar variation 1575745 (VCV001575745.12), dbSNP rs369007724, ClinGen allele CA8892510.

ClinVar aggregate classification (germline): Likely benign. Review status: criteria provided, multiple submitters, no conflicts (2 of 4 stars). 2 submissions from 2 submitters: Likely benign (2). Last evaluated 2026-03-01.

Allele frequency attached by ClinVar (database versions not stated): ExAC 0.00010; gnomAD exomes 0.00013 and 0.00023; ESP Exome Variant Server 0.00022; TOPMed 0.00025; gnomAD 0.00031 and 0.00034.
gnomAD v4.1: 231 of 1,537,218 alleles (0.015%); highest among the groups gnomAD compares: Admixed American, 0.09%; no homozygotes.

Submissions (2):

CeGaT Center for Human Genetics Tuebingen
Classification: Likely benign. Last evaluated: 2026-03-01. Review status: criteria provided, single submitter. Criteria: CeGaT Center For Human Genetics Tuebingen Variant Classification Criteria Version 2. Collection method: clinical testing. Allele origin: germline. Affected: yes. Observed: 1 variant allele.
Comment: PIEZO2: BP4, BP7

Labcorp Genetics (formerly Invitae), Labcorp
Classification: Likely benign. Last evaluated: 2024-08-13. Review status: criteria provided, single submitter. Criteria: Invitae Variant Classification Sherloc (09022015). Collection method: clinical testing. Allele origin: germline.